The following is an entry in ClinVar:

NC_000008.10:g.(?_43024296)_(43024405_?)del

Gene: HGSNAT (heparan-alpha-glucosaminide N-acetyltransferase; plus strand). Cytogenetic location: 8p11.21.
Variant type: Deletion.
Identifiers: ClinVar variation 1458656 (VCV001458656.7).

ClinVar aggregate classification (germline): Pathogenic (1 of 4 stars; one submission).

Conditions:
Mucopolysaccharidosis, MPS-III-C (MPS3C). Also called: SANFILIPPO SYNDROME C; MPS III C; MPS IIIC (Sanfilippo Syndrome Type C); MUCOPOLYSACCHARIDOSIS, TYPE IIIC; Mucopolysaccharidosis type IIIC (Sanfilippo C); mucopolysaccharidosis type 3C. Identifiers: Orphanet 581, Orphanet 79271, MedGen C0086649, MONDO:0009657, OMIM 252930.
Retinitis pigmentosa 73 (RP73). Identifiers: Orphanet 791, MedGen C4225287, MONDO:0014687, OMIM 616544.

Submission:

Labcorp Genetics (formerly Invitae), Labcorp
Classification: Pathogenic for Retinitis pigmentosa 73; Mucopolysaccharidosis, MPS-III-C. Last evaluated: 2022-07-12. Review status: criteria provided, single submitter. Criteria: Invitae Variant Classification Sherloc (09022015). Collection method: clinical testing. Allele origin: germline.
Comment: This variant has not been reported in the literature in individuals affected with HGSNAT-related conditions. For these reasons, this variant has been classified as Pathogenic. This variant is a gross deletion of the genomic region encompassing exon(s) 6 of the HGSNAT gene. This deletion is out-of-frame, and is expected to create a premature termination codon and result in an absent or disrupted protein product. Loss-of-function variants in HGSNAT are known to be pathogenic (PMID: 17033958, 19479962).

Literature cited by the submitters: PubMed 17033958; PubMed 19479962.